The following is an entry in ClinVar:

ClinVar aggregate classification (germline): Likely benign (1 of 4 stars; one submission).

gnomAD v4.1: 1 of 1,611,128 alleles (0.000062%); no homozygotes.

Submission:

CeGaT Center for Human Genetics Tuebingen
Classification: Likely benign. Last evaluated: 2025-03-01. Review status: criteria provided, single submitter. Criteria: CeGaT Center For Human Genetics Tuebingen Variant Classification Criteria Version 2. Collection method: clinical testing. Allele origin: germline. Affected: yes. Observed: 1 variant allele.
Comment: STX11: BP4, BP7

NM_003764.4(STX11):c.702G>A (p.Leu234=)

Gene: STX11 (syntaxin 11; plus strand). Cytogenetic location: 6q24.2.
Variant type: single nucleotide variant.
Coding change: c.702G>A on transcript NM_003764.4 (MANE Select); coding-DNA position 702, G replaced by A.
Protein change: p.Leu234=; no amino-acid change (leucine 234 retained).
Molecular consequence: synonymous variant.
Genome position (GRCh38, 1-based): chr6:144,187,329, G>A. VCF-style: chr6-144187329-G-A. GRCh37 (hg19) VCF-style: chr6-144508466-G-A.
Identifiers: ClinVar variation 3778559 (VCV003778559.7).